The following is an entry in ClinVar:

ClinVar aggregate classification (germline): Likely benign. Review status: criteria provided, multiple submitters, no conflicts (2 of 4 stars). 3 submissions from 3 submitters: Likely benign (3). Last evaluated 2025-10-05.

Conditions:
Bethlem myopathy 1A. Also called: MYOPATHY, BENIGN CONGENITAL, WITH CONTRACTURES; Bethlem myopathy 1; Bethlem Muscular Dystrophy. Identifiers: Orphanet 610, MedGen CN029274, MONDO:0024530, OMIM 158810.
Collagen 6-related myopathy. Identifiers: MedGen CN117976, MONDO:0100225.

Allele frequency attached by ClinVar (database versions not stated): ExAC 0.00005; gnomAD exomes 0.00008 and 0.00027; TOPMed 0.00009; gnomAD 0.00013; ESP Exome Variant Server 0.00031.
gnomAD v4.1: 412 of 1,613,312 alleles (0.026%); highest among the groups gnomAD compares: Non-Finnish European, 0.034%; no homozygotes.

Submissions (3):

Labcorp Genetics (formerly Invitae), Labcorp
Classification: Likely benign for Bethlem myopathy 1A. Last evaluated: 2025-10-05. Review status: criteria provided, single submitter. Criteria: Invitae Variant Classification Sherloc (09022015). Collection method: clinical testing. Allele origin: germline.

Blueprint Genetics
Classification: Likely benign. Last evaluated: 2024-06-14. Review status: criteria provided, single submitter. Criteria: ACMG Guidelines, 2015. Collection method: clinical testing. Allele origin: germline.

Illumina Laboratory Services, Illumina
Classification: Likely benign for Collagen VI-related myopathy. Last evaluated: 2018-01-13. Review status: criteria provided, single submitter. Criteria: ICSL Variant Classification Criteria 13 December 2019. Collection method: clinical testing. Allele origin: germline.
Comment: This variant was observed in the ICSL laboratory as part of a predisposition screen in an ostensibly healthy population. It had not been previously curated by ICSL or reported in the Human Gene Mutation Database (HGMD: prior to June 1st, 2018), and was therefore a candidate for classification through an automated scoring system. Utilizing variant allele frequency, disease prevalence and penetrance estimates, and inheritance mode, an automated score was calculated to assess if this variant is too frequent to cause the disease. Based on the score and internal cut-off values, a variant classified as likely benign is not then subjected to further curation. The score for this variant resulted in a classification of likely benign for this disease.

NM_004369.4(COL6A3):c.7175-11A>G

Gene: COL6A3 (collagen type VI alpha 3 chain; minus strand). Cytogenetic location: 2q37.3.
Variant type: single nucleotide variant.
Coding change: c.7175-11A>G on transcript NM_004369.4 (MANE Select); 11 bases into the intron before coding-DNA position 7175, A replaced by G.
Molecular consequence: intron variant.
Genome position (GRCh38, 1-based): chr2:237,344,854, T>C on the plus strand (A>G on the coding strand, the complement: COL6A3 is on the minus strand). VCF-style: chr2-237344854-T-C. GRCh37 (hg19) VCF-style: chr2-238253497-T-C.
Other names: c.5354-11A>G (NM_057166.5); c.6557-11A>G (NM_057167.4).
Identifiers: ClinVar variation 335108 (VCV000335108.13), dbSNP rs373913396, ClinGen allele CA2187859.